The following is an entry in ClinVar:

NM_000504.4(F10):c.971C>T (p.Ala324Val)

Genes: F10 (coagulation factor X; plus strand), F10-AS2 (F10 antisense RNA 2; minus strand). Cytogenetic location: 13q34.
Variant type: single nucleotide variant.
Coding change: c.971C>T on transcript NM_000504.4 (MANE Select); coding-DNA position 971, C replaced by T.
Protein change: p.Ala324Val; replaces alanine 324 with valine.
Molecular consequence: missense variant.
Genome position (GRCh38, 1-based): chr13:113,149,021, C>T. VCF-style: chr13-113149021-C-T. GRCh37 (hg19) VCF-style: chr13-113803335-C-T.
Other names: c.839C>T, p.Ala280Val (NM_001312674.2); c.961C>T, p.Pro321Ser (NM_001312675.2); short protein forms A280V, A324V, P321S.
Identifiers: ClinVar variation 4999965 (VCV004999965.1).

ClinVar aggregate classification (germline): Likely pathogenic (1 of 4 stars; one submission).

Conditions:
F10-related disorder. Also called: F10-related condition.

Submission:

PreventionGenetics, part of Exact Sciences
Classification: Likely pathogenic for F10-related condition. Last evaluated: 2025-07-02. Review status: criteria provided, single submitter. Criteria: ACMG Guidelines, 2015. Collection method: clinical testing. Allele origin: germline.
Comment: The F10 c.971C>T variant is predicted to result in the amino acid substitution p.Ala324Val. To our knowledge, this variant has not been reported in the literature or in a large population database (gnomAD), indicating this variant is rare. Based on the available evidence, we classify this variant as likely pathogenic.